The following is an entry in ClinVar:

NM_015072.5(TTLL5):c.2016-3T>C

Gene: TTLL5 (tubulin tyrosine ligase like 5; plus strand). Cytogenetic location: 14q24.3.
Variant type: single nucleotide variant.
Coding change: c.2016-3T>C on transcript NM_015072.5 (MANE Select); 3 bases into the intron before coding-DNA position 2016, T replaced by C.
Molecular consequence: intron variant.
Genome position (GRCh38, 1-based): chr14:75,771,731, T>C. VCF-style: chr14-75771731-T-C. GRCh37 (hg19) VCF-style: chr14-76238074-T-C.
Identifiers: ClinVar variation 1041553 (VCV001041553.32), dbSNP rs1566596891, ClinGen allele CA2147636439.

ClinVar aggregate classification (germline): Uncertain significance. Review status: criteria provided, multiple submitters, no conflicts (2 of 4 stars). 2 submissions from 2 submitters: Uncertain significance (2). Last evaluated 2023-09-01.

Allele frequency attached by ClinVar (database versions not stated): gnomAD exomes below 0.00001.
gnomAD v4.1: 1 of 1,613,310 alleles (0.000062%); highest among the groups gnomAD compares: Non-Finnish European, 0.000085%; no homozygotes.

Submissions (2):

CeGaT Center for Human Genetics Tuebingen
Classification: Uncertain significance. Last evaluated: 2023-09-01. Review status: criteria provided, single submitter. Criteria: CeGaT Center For Human Genetics Tuebingen Variant Classification Criteria Version 2. Collection method: clinical testing. Allele origin: germline. Affected: yes. Observed: 1 variant allele.
Comment: TTLL5: PM2, BP4

Labcorp Genetics (formerly Invitae), Labcorp
Classification: Uncertain significance. Last evaluated: 2020-01-03. Review status: criteria provided, single submitter. Criteria: Invitae Variant Classification Sherloc (09022015). Collection method: clinical testing. Allele origin: germline.
Comment: In summary, the available evidence is currently insufficient to determine the role of this variant in disease. Therefore, it has been classified as a Variant of Uncertain Significance. Nucleotide substitutions within the consensus splice site are a relatively common cause of aberrant splicing (PMID: 17576681, 9536098). Algorithms developed to predict the effect of sequence changes on RNA splicing suggest that this variant may create or strengthen a splice site, but this prediction has not been confirmed by published transcriptional studies. This variant has not been reported in the literature in individuals with TTLL5-related conditions. This variant is not present in population databases (ExAC no frequency). This sequence change falls in intron 20 of the TTLL5 gene. It does not directly change the encoded amino acid sequence of the TTLL5 protein, but it affects a nucleotide within the consensus splice site of the intron.

Literature cited by the submitters: PubMed 17576681 (cited by Labcorp Genetics (formerly Invitae), Labcorp); PubMed 9536098 (cited by Labcorp Genetics (formerly Invitae), Labcorp).